The following is an entry in ClinVar:

NM_004247.4(EFTUD2):c.2389G>T (p.Ala797Ser)

Gene: EFTUD2 (elongation factor Tu GTP binding domain containing 2; minus strand). Cytogenetic location: 17q21.31.
Variant type: single nucleotide variant.
Coding change: c.2389G>T on transcript NM_004247.4 (MANE Select); coding-DNA position 2389, G replaced by T.
Protein change: p.Ala797Ser; replaces alanine 797 with serine.
Molecular consequence: missense variant.
Genome position (GRCh38, 1-based): chr17:44,853,594, C>A on the plus strand (G>T on the coding strand, the complement: EFTUD2 is on the minus strand). VCF-style: chr17-44853594-C-A. GRCh37 (hg19) VCF-style: chr17-42930962-C-A.
Other names: c.2284G>T, p.Ala762Ser (NM_001142605.2); c.2389G>T, p.Ala797Ser (NM_001258353.2); c.2359G>T, p.Ala787Ser (NM_001258354.2); short protein forms A762S, A787S, A797S.
Identifiers: ClinVar variation 3254577 (VCV003254577.1), dbSNP rs2508724093.

ClinVar aggregate classification (germline): Likely benign (1 of 4 stars; one submission).

Conditions:
Mandibulofacial dysostosis-microcephaly syndrome (MFDGA). Also called: Mandibulofacial dysostosis, Guion-Almeida type; Growth and mental retardation, mandibulofacial dysostosis, microcephaly, and cleft palate. Identifiers: Orphanet 79113, MedGen C1864652, MONDO:0012516, OMIM 610536.

Submission:

Victorian Clinical Genetics Services, Murdoch Childrens Research Institute
Classification: Likely benign for Mandibulofacial dysostosis-microcephaly syndrome. Last evaluated: 2023-07-17. Review status: criteria provided, single submitter. Criteria: ACMG Guidelines, 2015. Collection method: clinical testing. Allele origin: germline. Inheritance: Autosomal dominant inheritance. Affected: yes.
Comment: Based on the classification scheme VCGS_Germline_v1.3.4, this variant is classified as Likely benign. Following criteria are met: 0102 - Loss of function is a known mechanism of disease in this gene and is associated with mandibulofacial dysostosis, Guion-Almeida type (MIM#610536). (I) 0107 - This gene is associated with autosomal dominant disease. (I) 0115 - Variants in this gene are known to have variable expressivity. Intra-familial variability has been reported, with two intellectually normal mothers who presented with subclinical features (GeneReviews). (I) 0200 - Variant is predicted to result in a missense amino acid change from alanine to serine. (I) 0251 - This variant is heterozygous. (I) 0301 - Variant is absent from gnomAD (both v2 and v3). (SP) 0309 - An alternative amino acid change at the same position has been observed in gnomAD (v2: 1 heterozygote, 0 homozygotes). (I) 0502 - Missense variant with tolerated in silico predictions but high conservation. (I) 0600 - Variant is located in the annotated elongation factor G, domain IV domain (DECIPHER). (I) 0705 - No comparable missense variants have previous evidence for pathogenicity. (I) 0807 - This variant has no previous evidence of pathogenicity. (I) 0904 - Non-segregation of this variant with the phenotype under investigation has been clearly demonstrated. (SB) 1007 - No published functional evidence has been identified for this variant. (I) Legend: (SP) - Supporting pathogenic, (I) - Information, (SB) - Supporting benign